The following is an entry in ClinVar:

ClinVar aggregate classification (germline): Uncertain significance (1 of 4 stars; one submission).

Conditions:
RYR1-related disorder. Also called: RYR1-related condition; RYR1-related disorders. Identifiers: MedGen CN239331.

gnomAD v4.1: 6 of 1,612,884 alleles (0.00037%); highest among the groups gnomAD compares: Admixed American, 0.005%; no homozygotes.

Submission:

Labcorp Genetics (formerly Invitae), Labcorp
Classification: Uncertain significance for RYR1-related disorder. Last evaluated: 2024-05-10. Review status: criteria provided, single submitter. Criteria: Invitae Variant Classification Sherloc (09022015). Collection method: clinical testing. Allele origin: germline.
Comment: This sequence change replaces glycine, which is neutral and non-polar, with serine, which is neutral and polar, at codon 2571 of the RYR1 protein (p.Gly2571Ser). This variant is present in population databases (rs771501586, gnomAD 0.006%). This variant has not been reported in the literature in individuals affected with RYR1-related conditions. Advanced modeling of protein sequence and biophysical properties (such as structural, functional, and spatial information, amino acid conservation, physicochemical variation, residue mobility, and thermodynamic stability) has been performed at Invitae for this missense variant, however the output from this modeling did not meet the statistical confidence thresholds required to predict the impact of this variant on RYR1 protein function. In summary, the available evidence is currently insufficient to determine the role of this variant in disease. Therefore, it has been classified as a Variant of Uncertain Significance.

NM_000540.3(RYR1):c.7711G>A (p.Gly2571Ser)

Gene: RYR1 (ryanodine receptor 1; plus strand). Cytogenetic location: 19q13.2.
Variant type: single nucleotide variant.
Coding change: c.7711G>A on transcript NM_000540.3 (MANE Select); coding-DNA position 7711, G replaced by A.
Protein change: p.Gly2571Ser; replaces glycine 2571 with serine.
Molecular consequence: missense variant.
Genome position (GRCh38, 1-based): chr19:38,502,603, G>A. VCF-style: chr19-38502603-G-A. GRCh37 (hg19) VCF-style: chr19-38993243-G-A.
Other names: c.7711G>A, p.Gly2571Ser (NM_001042723.2); short protein forms G2571S.
Identifiers: ClinVar variation 3709034 (VCV003709034.2).